The following is an entry in ClinVar:

ClinVar aggregate classification (germline): Uncertain significance (1 of 4 stars; one submission).

gnomAD v4.1: 3 of 1,613,442 alleles (0.00019%); highest among the groups gnomAD compares: South Asian, 0.0011%; no homozygotes.

Submission:

Labcorp Genetics (formerly Invitae), Labcorp
Classification: Uncertain significance. Last evaluated: 2024-07-24. Review status: criteria provided, single submitter. Criteria: Invitae Variant Classification Sherloc (09022015). Collection method: clinical testing. Allele origin: germline.
Comment: This sequence change falls in intron 2 of the SNAI2 gene. It does not directly change the encoded amino acid sequence of the SNAI2 protein. It affects a nucleotide within the consensus splice site. This variant is present in population databases (no rsID available, gnomAD 0.0009%). This variant has not been reported in the literature in individuals affected with SNAI2-related conditions. Variants that disrupt the consensus splice site are a relatively common cause of aberrant splicing (PMID: 17576681, 9536098). Algorithms developed to predict the effect of sequence changes on RNA splicing suggest that this variant may disrupt the consensus splice site. In summary, the available evidence is currently insufficient to determine the role of this variant in disease. Therefore, it has been classified as a Variant of Uncertain Significance.

Literature cited by the submitters: PubMed 17576681; PubMed 9536098.

NM_003068.5(SNAI2):c.625+5G>T

Gene: SNAI2 (snail family transcriptional repressor 2; minus strand). Cytogenetic location: 8q11.21.
Variant type: single nucleotide variant.
Coding change: c.625+5G>T on transcript NM_003068.5 (MANE Select); 5 bases into the intron after coding-DNA position 625, G replaced by T.
Molecular consequence: intron variant.
Genome position (GRCh38, 1-based): chr8:48,919,891, C>A on the plus strand (G>T on the coding strand, the complement: SNAI2 is on the minus strand). VCF-style: chr8-48919891-C-A. GRCh37 (hg19) VCF-style: chr8-49832450-C-A.
Identifiers: ClinVar variation 3692675 (VCV003692675.2).